The following is an entry in ClinVar:

ClinVar aggregate classification (germline): Benign/Likely benign. Review status: criteria provided, multiple submitters, no conflicts (2 of 4 stars). 5 submissions from 5 submitters: Benign (1); Likely benign (3). 1 of the submissions does not count toward it. Last evaluated 2025-12-08.

Conditions:
Prostate cancer, hereditary, 9 (HPC9). Identifiers: Orphanet 1331, MedGen C1970250, MONDO:0012597, OMIM 610997.
HOXB13-related disorder. Also called: HOXB13-related condition; HOXB13-related disorders.
Hereditary cancer-predisposing syndrome. Also called: Neoplastic Syndromes, Hereditary; Tumor predisposition; Hereditary neoplastic syndrome; Hereditary Cancer Syndrome. Identifiers: Orphanet 140162, MedGen C0027672, MeSH D009386, MONDO:0015356.

gnomAD v4.1: 1 of 1,613,222 alleles (0.000062%); highest among the groups gnomAD compares: Non-Finnish European, 0.000085%; no homozygotes.

Submissions (5):

Labcorp Genetics (formerly Invitae), Labcorp
Classification: Likely benign. Last evaluated: 2025-12-08. Review status: criteria provided, single submitter. Criteria: Invitae Variant Classification Sherloc (09022015). Collection method: clinical testing. Allele origin: germline.

Myriad Genetics, Inc.
Classification: Benign for Prostate cancer, hereditary, 9. Last evaluated: 2024-10-28. Review status: criteria provided, single submitter. Criteria: Myriad Autosomal Dominant, Autosomal Recessive and X-Linked Classification Criteria (2023). Collection method: clinical testing. Allele origin: unknown.
Comment: This variant is considered benign. This variant is a silent/synonymous amino acid change and it is not expected to impact splicing.

Department of Pathology and Laboratory Medicine, Sinai Health System
Classification: Likely benign for Prostate cancer, hereditary, 9. Last evaluated: 2024-03-18. Review status: criteria provided, single submitter. Criteria: ACMG Guidelines, 2015. Collection method: clinical testing. Allele origin: germline. Affected: yes.

Ambry Genetics
Classification: Likely benign for Hereditary cancer-predisposing syndrome. Last evaluated: 2018-09-25. Review status: criteria provided, single submitter. Criteria: Ambry Variant Classification Scheme 2023. Collection method: clinical testing. Allele origin: germline.

PreventionGenetics, part of Exact Sciences
Classification: Likely benign for HOXB13-related condition. Last evaluated: 2019-02-21. Review status: no assertion criteria provided. Collection method: clinical testing. Allele origin: germline. Not counted in ClinVar's aggregate classification.
Comment: This variant is classified as likely benign based on ACMG/AMP sequence variant interpretation guidelines (Richards et al. 2015 PMID: 25741868, with internal and published modifications).

NM_006361.6(HOXB13):c.63G>C (p.Ala21=)

Gene: HOXB13 (homeobox B13; minus strand). Cytogenetic location: 17q21.32.
Variant type: single nucleotide variant.
Coding change: c.63G>C on transcript NM_006361.6 (MANE Select); coding-DNA position 63, G replaced by C.
Protein change: p.Ala21=; no amino-acid change (alanine 21 retained).
Molecular consequence: synonymous variant.
Genome position (GRCh38, 1-based): chr17:48,728,531, C>G on the plus strand (G>C on the coding strand, the complement: HOXB13 is on the minus strand). VCF-style: chr17-48728531-C-G. GRCh37 (hg19) VCF-style: chr17-46805893-C-G.
Identifiers: ClinVar variation 826379 (VCV000826379.17), dbSNP rs368505949, ClinGen allele CA500503103.